The following is an entry in ClinVar:

ClinVar aggregate classification (germline): Uncertain significance. Review status: criteria provided, multiple submitters, no conflicts (2 of 4 stars). 4 submissions from 4 submitters: Uncertain significance (4). Last evaluated 2026-03-27.

Conditions:
Catecholaminergic polymorphic ventricular tachycardia 1. Also called: VENTRICULAR TACHYCARDIA, CATECHOLAMINERGIC POLYMORPHIC, 1, WITH OR WITHOUT ATRIAL DYSFUNCTION AND/OR DILATED CARDIOMYOPATHY; RYR2-Related Catecholaminergic Polymorphic Ventricular Tachycardia; VENTRICULAR TACHYCARDIA, STRESS-INDUCED POLYMORPHIC 1. Identifiers: Orphanet 3286, MedGen C1631597, MONDO:0011484, OMIM 604772.
Cardiomyopathy (CMYO). Also called: Cardiomyopathies. Identifiers: Orphanet 167848, MedGen C0878544, MONDO:0004994, HP:0001638. Inheritance: Various modes of inheritance.

gnomAD v4.1: 8 of 1,611,782 alleles (0.0005%); highest among the groups gnomAD compares: African/African-American, 0.0013%; no homozygotes.

Submissions (4):

GeneDx
Classification: Uncertain significance. Last evaluated: 2026-03-27. Review status: criteria provided, single submitter. Criteria: GeneDx Variant Classification Process June 2021. Collection method: clinical testing. Allele origin: germline.
Comment: Not observed at significant frequency in large population cohorts (gnomAD); In silico analysis supports that this missense variant has a deleterious effect on protein structure/function; Has not been previously published as pathogenic or benign to our knowledge; Located in one of the three hot-spot regions of the RYR2 gene, where the majority of pathogenic missense variants occur (PMID: 19926015); This variant is associated with the following publications: (PMID: 19926015)

Labcorp Genetics (formerly Invitae), Labcorp
Classification: Uncertain significance for Catecholaminergic polymorphic ventricular tachycardia 1. Last evaluated: 2026-01-06. Review status: criteria provided, single submitter. Criteria: Invitae Variant Classification Sherloc (09022015). Collection method: clinical testing. Allele origin: germline.
Comment: This sequence change replaces glycine, which is neutral and non-polar, with serine, which is neutral and polar, at codon 3795 of the RYR2 protein (p.Gly3795Ser). This variant is present in population databases (no rsID available, gnomAD 0.003%). This variant has not been reported in the literature in individuals affected with RYR2-related conditions. ClinVar contains an entry for this variant (Variation ID: 3380784). Invitae Evidence Modeling of protein sequence and biophysical properties (such as structural, functional, and spatial information, amino acid conservation, physicochemical variation, residue mobility, and thermodynamic stability) indicates that this missense variant is not expected to disrupt RYR2 protein function with a negative predictive value of 95%. In summary, the available evidence is currently insufficient to determine the role of this variant in disease. Therefore, it has been classified as a Variant of Uncertain Significance.

Color Diagnostics, LLC DBA Color Health
Classification: Uncertain significance for Cardiomyopathy. Last evaluated: 2025-07-15. Review status: criteria provided, single submitter. Criteria: ACMG Guidelines, 2015. Collection method: clinical testing. Allele origin: germline.
Comment: This missense variant replaces glycine with serine at codon 3795 of the RYR2 protein. Computational prediction is inconclusive regarding the impact of this variant on protein structure and function. To our knowledge, functional studies have not been reported for this variant. This variant has not been reported in individuals affected with RYR2-related disorders in the literature. This variant has been identified in 3/248190 chromosomes in the general population by the Genome Aggregation Database (gnomAD). The available evidence is insufficient to determine the role of this variant in disease conclusively. Therefore, this variant is classified as a Variant of Uncertain Significance.

Mayo Clinic Laboratories, Mayo Clinic
Classification: Uncertain significance. Last evaluated: 2023-08-10. Review status: criteria provided, single submitter. Criteria: ACMG Guidelines, 2015. Collection method: clinical testing. Allele origin: germline. Observed: 1 variant allele.
Comment: PP2, PM1

Literature cited by the submitters: PubMed 19804154 (cited by Mayo Clinic Laboratories, Mayo Clinic); PubMed 21454795 (cited by Mayo Clinic Laboratories, Mayo Clinic); PubMed 27733687 (cited by Mayo Clinic Laboratories, Mayo Clinic); PubMed 31112425 (cited by Mayo Clinic Laboratories, Mayo Clinic).

NM_001035.3(RYR2):c.11383G>A (p.Gly3795Ser)

Gene: RYR2 (ryanodine receptor 2; plus strand). Cytogenetic location: 1q43.
Variant type: single nucleotide variant.
Coding change: c.11383G>A on transcript NM_001035.3 (MANE Select); coding-DNA position 11383, G replaced by A.
Protein change: p.Gly3795Ser; replaces glycine 3795 with serine.
Molecular consequence: missense variant.
Genome position (GRCh38, 1-based): chr1:237,759,833, G>A. VCF-style: chr1-237759833-G-A. GRCh37 (hg19) VCF-style: chr1-237923133-G-A.
Other names: p.Gly3795Ser; c.11383G>A (NM_001035.2); short protein forms G3795S.
Identifiers: ClinVar variation 3380784 (VCV003380784.3).
Genomic context (GRCh38, chr1:237,759,833, plus strand): 5'-TAGAAAATGCTTGACTACCTCAAGGAGAAAAAGGATGTGGGCTTCTTTCAGAGCCTGGCC[G>A]GCCTGATGCAGTCATGTAGGTAAGGACTCACTTCCTTCTTGGGGGTTCTACTCAGTGGTT-3'
Protein context (NP_001026.2, residues 3785-3805): KDVGFFQSLA[Gly3795Ser]LMQSCSVLDL